The following is an entry in ClinVar:

ClinVar aggregate classification (germline): Uncertain significance (1 of 4 stars; one submission).

Conditions:
Familial cancer of breast. Also called: BREAST CANCER, FAMILIAL; hereditary breast carcinoma; Hereditary breast cancer. Identifiers: Orphanet 227535, MedGen C0346153, MONDO:0016419, OMIM 114480. Disease mechanism: loss of function.

Submission:

Labcorp Genetics (formerly Invitae), Labcorp
Classification: Uncertain significance for Familial cancer of breast. Last evaluated: 2017-03-30. Review status: criteria provided, single submitter. Criteria: Invitae Variant Classification Sherloc (09022015). Collection method: clinical testing. Allele origin: germline.
Comment: Algorithms developed to predict the effect of missense changes on protein structure and function output the following: SIFT: "Tolerated"; PolyPhen-2: "Benign"; Align-GVGD: "Class C0". The serine amino acid residue is found in multiple mammalian species, suggesting that this missense change does not adversely affect protein function. These predictions have not been confirmed by published functional studies. In summary, this variant is a novel missense change that is not predicted to affect protein function. There is no indication that it causes disease, but the available evidence is currently insufficient to prove that conclusively. Therefore, it has been classified as a Variant of Uncertain Significance. This sequence change replaces asparagine with serine at codon 521 of the BARD1 protein (p.Asn521Ser). The asparagine residue is moderately conserved and there is a small physicochemical difference between asparagine and serine. This variant is not present in population databases (ExAC no frequency) and has not been reported in the literature in individuals with a BARD1-related disease.

NM_000465.4(BARD1):c.1562A>G (p.Asn521Ser)

Gene: BARD1 (BRCA1 associated RING domain 1; minus strand). Cytogenetic location: 2q35.
Variant type: single nucleotide variant.
Coding change: c.1562A>G on transcript NM_000465.4 (MANE Select); coding-DNA position 1562, A replaced by G.
Protein change: p.Asn521Ser; replaces asparagine 521 with serine.
Molecular consequence: missense variant. On other transcripts: non-coding transcript variant (3), intron variant (3).
Genome position (GRCh38, 1-based): chr2:214,767,488, T>C on the plus strand (A>G on the coding strand, the complement: BARD1 is on the minus strand). VCF-style: chr2-214767488-T-C. GRCh37 (hg19) VCF-style: chr2-215632212-T-C.
Other names: c.1505A>G, p.Asn502Ser (NM_001282543.2); c.159-14933A>G (NM_001282548.2); c.216-14933A>G (NM_001282545.2); c.364+24809A>G (NM_001282549.2); short protein forms N521S, N502S.
Identifiers: ClinVar variation 460710 (VCV000460710.9), dbSNP rs1553619203, ClinGen allele CA350448095.